The following is an entry in ClinVar:

NM_198859.4(PRICKLE2):c.896C>T (p.Pro299Leu)

Gene: PRICKLE2 (prickle planar cell polarity protein 2; minus strand). Cytogenetic location: 3p14.1.
Variant type: single nucleotide variant.
Coding change: c.896C>T on transcript NM_198859.4 (MANE Select); coding-DNA position 896, C replaced by T.
Protein change: p.Pro299Leu; replaces proline 299 with leucine.
Molecular consequence: missense variant.
Genome position (GRCh38, 1-based): chr3:64,147,594, G>A on the plus strand (C>T on the coding strand, the complement: PRICKLE2 is on the minus strand). VCF-style: chr3-64147594-G-A. GRCh37 (hg19) VCF-style: chr3-64133270-G-A.
Other names: c.896C>T, p.Pro299Leu (NM_001370528.1); short protein forms P299L.
Identifiers: ClinVar variation 2962656 (VCV002962656.3), dbSNP rs1342755436, ClinGen allele CA353432337.
Genomic context (GRCh38, chr3:64,147,594, plus strand): 5'-GAACCATTGGGGTCTTCCCCAGCACTGCAGGCCCGTGAGCAGAATATCTGGCCCTGCTTC[G>A]GGAGGAATGGCCGCCCCAGGAGGGATTTCTTGCAGTGAGCACAGCAGAAACAGGTCTCAG-3'
Protein context (NP_942559.1, residues 289-309): KKSLLGRPFL[Pro299Leu]KQGQIFCSRA

ClinVar aggregate classification (germline): Uncertain significance (1 of 4 stars; one submission).

Conditions:
Progressive myoclonic epilepsy type 5. Identifiers: Orphanet 402082, MedGen C5190799.

Allele frequency attached by ClinVar (database versions not stated): gnomAD exomes below 0.00001.
gnomAD v4.1: 3 of 1,614,224 alleles (0.00019%); highest among the groups gnomAD compares: Non-Finnish European, 0.00025%; no homozygotes.

Submission:

Labcorp Genetics (formerly Invitae), Labcorp
Classification: Uncertain significance for Progressive myoclonic epilepsy type 5. Last evaluated: 2023-12-17. Review status: criteria provided, single submitter. Criteria: Invitae Variant Classification Sherloc (09022015). Collection method: clinical testing. Allele origin: germline.
Comment: This sequence change replaces proline, which is neutral and non-polar, with leucine, which is neutral and non-polar, at codon 299 of the PRICKLE2 protein (p.Pro299Leu). This variant is present in population databases (no rsID available, gnomAD 0.01%). This variant has not been reported in the literature in individuals affected with PRICKLE2-related conditions. Advanced modeling of protein sequence and biophysical properties (such as structural, functional, and spatial information, amino acid conservation, physicochemical variation, residue mobility, and thermodynamic stability) performed at Invitae indicates that this missense variant is expected to disrupt PRICKLE2 protein function with a positive predictive value of 80%. In summary, the available evidence is currently insufficient to determine the role of this variant in disease. Therefore, it has been classified as a Variant of Uncertain Significance.